The following is an entry in ClinVar:

NM_000361.3(THBD):c.112C>G (p.Leu38Val)

Gene: THBD (thrombomodulin; minus strand). Cytogenetic location: 20p11.21.
Variant type: single nucleotide variant.
Coding change: c.112C>G on transcript NM_000361.3 (MANE Select); coding-DNA position 112, C replaced by G.
Protein change: p.Leu38Val; replaces leucine 38 with valine.
Molecular consequence: missense variant.
Genome position (GRCh38, 1-based): chr20:23,049,393, G>C on the plus strand (C>G on the coding strand, the complement: THBD is on the minus strand). VCF-style: chr20-23049393-G-C. GRCh37 (hg19) VCF-style: chr20-23030030-G-C.
Other names: p.Leu38Val; short protein forms L38V.
Identifiers: ClinVar variation 2900842 (VCV002900842.5), dbSNP rs759999415, ClinGen allele CA9787795.

ClinVar aggregate classification (germline): Uncertain significance. Review status: criteria provided, multiple submitters, no conflicts (2 of 4 stars). 3 submissions from 3 submitters: Uncertain significance (3). Last evaluated 2026-01-21.

Conditions:
Inborn genetic diseases. Identifiers: MedGen C0950123, MeSH D030342.

Allele frequency attached by ClinVar (database versions not stated): gnomAD exomes 0.00001; TOPMed 0.00003; ExAC 0.00002; gnomAD 0.00003.

Submissions (3):

Labcorp Genetics (formerly Invitae), Labcorp
Classification: Uncertain significance. Last evaluated: 2026-01-21. Review status: criteria provided, single submitter. Criteria: Invitae Variant Classification Sherloc (09022015). Collection method: clinical testing. Allele origin: germline.
Comment: This sequence change replaces leucine, which is neutral and non-polar, with valine, which is neutral and non-polar, at codon 38 of the THBD protein (p.Leu38Val). This variant is present in population databases (rs759999415, gnomAD 0.003%). This variant has not been reported in the literature in individuals affected with THBD-related conditions. ClinVar contains an entry for this variant (Variation ID: 2900842). Invitae Evidence Modeling of protein sequence and biophysical properties (such as structural, functional, and spatial information, amino acid conservation, physicochemical variation, residue mobility, and thermodynamic stability) indicates that this missense variant is not expected to disrupt THBD protein function with a negative predictive value of 80%. In summary, the available evidence is currently insufficient to determine the role of this variant in disease. Therefore, it has been classified as a Variant of Uncertain Significance.

Ambry Genetics
Classification: Uncertain significance for Inborn genetic diseases. Last evaluated: 2025-08-08. Review status: criteria provided, single submitter. Criteria: Ambry Variant Classification Scheme 2023. Collection method: clinical testing. Allele origin: germline.

Mayo Clinic Laboratories, Mayo Clinic
Classification: Uncertain significance. Last evaluated: 2024-07-05. Review status: criteria provided, single submitter. Criteria: ACMG Guidelines, 2015. Collection method: clinical testing. Allele origin: germline. Observed: 1 variant allele.
Comment: BP4